The following is an entry in ClinVar:

NM_001032283.3(TMPO):c.565+1155A>G

Gene: TMPO (thymopoietin; plus strand). Cytogenetic location: 12q23.1.
Variant type: single nucleotide variant.
Coding change: c.565+1155A>G on transcript NM_001032283.3 (MANE Select); 1155 bases into the intron after coding-DNA position 565, A replaced by G.
Molecular consequence: intron variant. On other transcripts: missense variant (1).
Genome position (GRCh38, 1-based): chr12:98,532,993, A>G. VCF-style: chr12-98532993-A-G. GRCh37 (hg19) VCF-style: chr12-98926771-A-G.
Other names: c.736A>G, p.Thr246Ala (NM_003276.2); c.565+1155A>G (NM_001307975.2, NM_001032284.3); short protein forms T246A.
Identifiers: ClinVar variation 1020620 (VCV001020620.10), dbSNP rs1235766643, ClinGen allele CA386151701.

ClinVar aggregate classification (germline): Uncertain significance. Review status: criteria provided, multiple submitters, no conflicts (2 of 4 stars). 2 submissions from 2 submitters: Uncertain significance (2). Last evaluated 2025-03-04.

Conditions:
Loeys-Dietz syndrome 2 (LDS2). Also called: TGFBR2-Related Loeys-Dietz Syndrome; AORTIC ANEURYSM, FAMILIAL THORACIC 3; Marfan syndrome, type 2 (formerly); MARFAN SYNDROME, TYPE II; Marfan Syndrome type 2; Marfan like connective tissue disorder. Identifiers: Orphanet 284973, Orphanet 558, MedGen C2674574, MONDO:0012427, OMIM 610168.

Allele frequency attached by ClinVar (database versions not stated): gnomAD exomes below 0.00001; gnomAD 0.00001; TOPMed 0.00001.
gnomAD v4.1: 2 of 1,613,976 alleles (0.00012%); highest among the groups gnomAD compares: Non-Finnish European, 0.00017%; no homozygotes.

Submissions (2):

Ambry Genetics
Classification: Uncertain significance. Last evaluated: 2025-03-04. Review status: criteria provided, single submitter. Criteria: Ambry Variant Classification Scheme 2023. Collection method: clinical testing. Allele origin: germline.
Comment: The p.T246A variant (also known as c.736A>G), located in coding exon 4 of the TMPO gene, results from an A to G substitution at nucleotide position 736. The threonine at codon 246 is replaced by alanine, an amino acid with similar properties. This amino acid position is conserved. In addition, this alteration is predicted to be tolerated by in silico analysis. Based on the available evidence, the clinical significance of this variant remains unclear.

Labcorp Genetics (formerly Invitae), Labcorp
Classification: Uncertain significance for Loeys-Dietz syndrome 2. Last evaluated: 2024-10-01. Review status: criteria provided, single submitter. Criteria: Invitae Variant Classification Sherloc (09022015). Collection method: clinical testing. Allele origin: germline.
Comment: This sequence change replaces threonine, which is neutral and polar, with alanine, which is neutral and non-polar, at codon 246 of the TMPO protein (p.Thr246Ala). This variant is not present in population databases (gnomAD no frequency). This variant has not been reported in the literature in individuals affected with TMPO-related conditions. ClinVar contains an entry for this variant (Variation ID: 1020620). Invitae Evidence Modeling of protein sequence and biophysical properties (such as structural, functional, and spatial information, amino acid conservation, physicochemical variation, residue mobility, and thermodynamic stability) indicates that this missense variant is not expected to disrupt TMPO protein function with a negative predictive value of 80%. In summary, the available evidence is currently insufficient to determine the role of this variant in disease. Therefore, it has been classified as a Variant of Uncertain Significance.